The following is an entry in ClinVar:

ClinVar aggregate classification (germline): Uncertain significance (1 of 4 stars; one submission).

Conditions:
FGFR2-related craniosynostosis. Identifiers: MedGen CN231480.

Allele frequency attached by ClinVar (database versions not stated): gnomAD exomes below 0.00001.
gnomAD v4.1: 2 of 1,612,646 alleles (0.00012%); highest among the groups gnomAD compares: Non-Finnish European, 0.00017%; no homozygotes.

Submission:

Labcorp Genetics (formerly Invitae), Labcorp
Classification: Uncertain significance for FGFR2-related craniosynostosis. Last evaluated: 2025-06-09. Review status: criteria provided, single submitter. Criteria: Invitae Variant Classification Sherloc (09022015). Collection method: clinical testing. Allele origin: germline.
Comment: This sequence change replaces methionine, which is neutral and non-polar, with isoleucine, which is neutral and non-polar, at codon 735 of the FGFR2 protein (p.Met735Ile). This variant is not present in population databases (gnomAD no frequency). This variant has not been reported in the literature in individuals affected with FGFR2-related conditions. ClinVar contains an entry for this variant (Variation ID: 2897848). Invitae Evidence Modeling of protein sequence and biophysical properties (such as structural, functional, and spatial information, amino acid conservation, physicochemical variation, residue mobility, and thermodynamic stability) indicates that this missense variant is not expected to disrupt FGFR2 protein function with a negative predictive value of 80%. In summary, the available evidence is currently insufficient to determine the role of this variant in disease. Therefore, it has been classified as a Variant of Uncertain Significance.

NM_000141.5(FGFR2):c.2205G>A (p.Met735Ile)

Gene: FGFR2 (fibroblast growth factor receptor 2; minus strand). Cytogenetic location: 10q26.13.
Variant type: single nucleotide variant.
Coding change: c.2205G>A on transcript NM_000141.5 (MANE Select); coding-DNA position 2205, G replaced by A.
Protein change: p.Met735Ile; replaces methionine 735 with isoleucine.
Molecular consequence: missense variant. On other transcripts: non-coding transcript variant (1).
Genome position (GRCh38, 1-based): chr10:121,483,794, C>T on the plus strand (G>A on the coding strand, the complement: FGFR2 is on the minus strand). VCF-style: chr10-121483794-C-T. GRCh37 (hg19) VCF-style: chr10-123243308-C-T.
Other names: c.2208G>A, p.Met736Ile (NM_001144913.1, NM_022970.4); c.1869G>A, p.Met623Ile (NM_001144914.1); c.1938G>A, p.Met646Ile (NM_001144915.2, NM_023029.3); c.1860G>A, p.Met620Ile (NM_001144916.2); c.1857G>A, p.Met619Ile (NM_001144917.2); c.1854G>A, p.Met618Ile (NM_001144918.2); c.1941G>A, p.Met647Ile (NM_001144919.2); c.1521G>A, p.Met507Ile (NM_001320654.2); and 1 more; short protein forms M733I, M507I, M620I, M623I, M646I, M647I, M618I, M619I.
Identifiers: ClinVar variation 2897848 (VCV002897848.3), dbSNP rs1432567715, ClinGen allele CA378311118.